The following is an entry in ClinVar:

NM_005359.6(SMAD4):c.1073G>A (p.Gly358Glu)

Gene: SMAD4 (SMAD family member 4; plus strand). Cytogenetic location: 18q21.2.
Variant type: single nucleotide variant.
Coding change: c.1073G>A on transcript NM_005359.6 (MANE Select); coding-DNA position 1073, G replaced by A.
Protein change: p.Gly358Glu; replaces glycine 358 with glutamic acid.
Molecular consequence: missense variant. On other transcripts: non-coding transcript variant (2).
Genome position (GRCh38, 1-based): chr18:51,065,540, G>A. VCF-style: chr18-51065540-G-A. GRCh37 (hg19) VCF-style: chr18-48591910-G-A.
Other names: c.1073G>A, p.Gly358Glu (NM_001407041.1, NM_001407042.1, NM_001407043.1); short protein forms G358E.
Identifiers: ClinVar variation 4795582 (VCV004795582.1).
Genomic context (GRCh38, chr18:51,065,540, plus strand): 5'-CATTTAAGGTTCCTTCAAGCTGCCCTATTGTTACTGTTGATGGATACGTGGACCCTTCTG[G>A]AGGAGATCGCTTTTGTTTGGGTCAACTCTCCAATGTCCACAGGACAGAAGCCATTGAGAG-3'
Protein context (NP_005350.1, residues 348-368): VTVDGYVDPS[Gly358Glu]GDRFCLGQLS

ClinVar aggregate classification (germline): Uncertain significance (1 of 4 stars; one submission).

Submission:

GeneDx
Classification: Uncertain significance. Last evaluated: 2025-08-09. Review status: criteria provided, single submitter. Criteria: GeneDx Variant Classification Process June 2021. Collection method: clinical testing. Allele origin: germline. Affected: yes.
Comment: Not observed at significant frequency in large population cohorts (gnomAD); In silico analysis supports that this missense variant has a deleterious effect on protein structure/function; Has not been previously published as pathogenic or benign to our knowledge; This variant is associated with the following publications: (PMID: 15235019, 17873119, 18823382)